The following is an entry in ClinVar:

ClinVar aggregate classification (germline): Uncertain significance. Review status: criteria provided, multiple submitters, no conflicts (2 of 4 stars). 6 submissions from 5 submitters: Uncertain significance (6). Last evaluated 2026-03-31.

Conditions:
CYP4V2-related disorder. Also called: CYP4V2-related disorders; CYP4V2-related condition.
Inborn genetic diseases. Identifiers: MedGen C0950123, MeSH D030342.
Bietti crystalline corneoretinal dystrophy (BCD). Also called: BIETTI TAPETORETINAL DEGENERATION WITH MARGINAL CORNEAL DYSTROPHY; Bietti Crystalline Dystrophy. Identifiers: Orphanet 41751, MedGen C1859486, MONDO:0008865, OMIM 210370.
Corneal dystrophy. Identifiers: Orphanet 34533, MedGen C0010036, MONDO:0018102, HP:0001131.

Allele frequency attached by ClinVar (database versions not stated): gnomAD exomes 0.00012 and 0.00021; gnomAD 0.00013 and 0.00014; ExAC 0.00016; TOPMed 0.00017; ESP Exome Variant Server 0.00023.

Submissions (6):

PreventionGenetics, part of Exact Sciences
Classification: Uncertain significance for CYP4V2-related condition. Last evaluated: 2026-03-31. Review status: criteria provided, single submitter. Criteria: ACMG Guidelines, 2015. Collection method: clinical testing. Allele origin: germline.
Comment: The CYP4V2 c.1289C>T variant is predicted to result in the amino acid substitution p.Pro430Leu. To our knowledge, this variant has not been reported in the literature. This variant is reported in 0.031% of alleles in individuals of Latino descent in gnomAD. At this time, the clinical significance of this variant is uncertain due to the absence of conclusive functional and genetic evidence.

Ambry Genetics
Classification: Uncertain significance for Inborn genetic diseases. Last evaluated: 2025-05-23. Review status: criteria provided, single submitter. Criteria: Ambry Variant Classification Scheme 2023. Collection method: clinical testing. Allele origin: germline.

Blueprint Genetics
Classification: Uncertain significance. Last evaluated: 2024-09-03. Review status: criteria provided, single submitter. Criteria: ACMG Guidelines, 2015. Collection method: clinical testing. Allele origin: germline.

Labcorp Genetics (formerly Invitae), Labcorp
Classification: Uncertain significance. Last evaluated: 2022-06-26. Review status: criteria provided, single submitter. Criteria: Invitae Variant Classification Sherloc (09022015). Collection method: clinical testing. Allele origin: germline.
Comment: This sequence change replaces proline, which is neutral and non-polar, with leucine, which is neutral and non-polar, at codon 430 of the CYP4V2 protein (p.Pro430Leu). This variant is present in population databases (rs144008429, gnomAD 0.03%). This variant has not been reported in the literature in individuals affected with CYP4V2-related conditions. ClinVar contains an entry for this variant (Variation ID: 348311). Algorithms developed to predict the effect of missense changes on protein structure and function are either unavailable or do not agree on the potential impact of this missense change (SIFT: "Deleterious"; PolyPhen-2: "Possibly Damaging"; Align-GVGD: "Class C0"). In summary, the available evidence is currently insufficient to determine the role of this variant in disease. Therefore, it has been classified as a Variant of Uncertain Significance.

Illumina Laboratory Services, Illumina
Classification: Uncertain significance for Corneal dystrophy. Last evaluated: 2018-01-13. Review status: criteria provided, single submitter. Criteria: ICSL Variant Classification Criteria 13 December 2019. Collection method: clinical testing. Allele origin: germline.

Illumina Laboratory Services, Illumina
Classification: Uncertain significance for Bietti crystalline corneoretinal dystrophy. Last evaluated: 2018-01-13. Review status: criteria provided, single submitter. Criteria: ICSL Variant Classification Criteria 13 December 2019. Collection method: clinical testing. Allele origin: germline.

NM_207352.4(CYP4V2):c.1289C>T (p.Pro430Leu)

Gene: CYP4V2 (cytochrome P450 family 4 subfamily V member 2; plus strand). Cytogenetic location: 4q35.2.
Variant type: single nucleotide variant.
Coding change: c.1289C>T on transcript NM_207352.4 (MANE Select); coding-DNA position 1289, C replaced by T.
Protein change: p.Pro430Leu; replaces proline 430 with leucine.
Molecular consequence: missense variant.
Genome position (GRCh38, 1-based): chr4:186,209,156, C>T. VCF-style: chr4-186209156-C-T. GRCh37 (hg19) VCF-style: chr4-187130310-C-T.
Other names: short protein forms P430L.
Identifiers: ClinVar variation 348311 (VCV000348311.12), dbSNP rs144008429, ClinGen allele CA3162819.
Genomic context (GRCh38, chr4:186,209,156, plus strand): 5'-GTTACAGAGTTCTAAAAGGCACTGAAGCCGTCATCATTCCCTATGCATTGCACAGAGATC[C>T]GAGATACTTCCCCAACCCCGAGGAGTTCCAGCCTGAGCGGTTCTTCCCCGAGAATGCACA-3'
Protein context (NP_997235.3, residues 420-440): VIIPYALHRD[Pro430Leu]RYFPNPEEFQ